The following is an entry in ClinVar:

NM_001365088.1(SLC12A6):c.14A>G (p.Glu5Gly)

Gene: SLC12A6 (solute carrier family 12 member 6; minus strand). Cytogenetic location: 15q14.
Variant type: single nucleotide variant.
Coding change: c.14A>G on transcript NM_001365088.1 (MANE Select); coding-DNA position 14, A replaced by G.
Protein change: p.Glu5Gly; replaces glutamic acid 5 with glycine.
Molecular consequence: missense variant. On other transcripts: 5 prime UTR variant (1), intron variant (2).
Genome position (GRCh38, 1-based): chr15:34,336,667, T>C on the plus strand (A>G on the coding strand, the complement: SLC12A6 is on the minus strand). VCF-style: chr15-34336667-T-C. GRCh37 (hg19) VCF-style: chr15-34628868-T-C.
Other names: c.-14A>G (NM_001042496.2); c.14A>G, p.Glu5Gly (NM_001042497.2, NM_133647.2); c.-98-66A>G (NM_001042495.2, NM_001042494.2); short protein forms E5G.
Identifiers: ClinVar variation 1525435 (VCV001525435.6), dbSNP rs770783522, ClinGen allele CA7464731.
Genomic context (GRCh38, chr15:34,336,667, plus strand): 5'-ATGTCATCGATCTTTGTCGGTGTCACCATGAACCGAACTGAAGCCATCTTGGTGGTGGTT[T>C]CTGGAGGATGCATTTTGTTCTTTTTAAGAACAAAAAAAGTGGGGGGAACCTCGCAAAATC-3'
Protein context (NP_001352017.1, residues 1-15): MHPP[Glu5Gly]TTTKMASVRF

ClinVar aggregate classification (germline): Uncertain significance (1 of 4 stars; one submission).

Allele frequency attached by ClinVar (database versions not stated): gnomAD exomes below 0.00001; ExAC 0.00001.
gnomAD v4.1: 1 of 1,614,108 alleles (0.000062%); highest among the groups gnomAD compares: Non-Finnish European, 0.000085%; no homozygotes.

Submission:

Labcorp Genetics (formerly Invitae), Labcorp
Classification: Uncertain significance. Last evaluated: 2021-10-14. Review status: criteria provided, single submitter. Criteria: Invitae Variant Classification Sherloc (09022015). Collection method: clinical testing. Allele origin: germline.
Comment: In summary, the available evidence is currently insufficient to determine the role of this variant in disease. Therefore, it has been classified as a Variant of Uncertain Significance. Advanced modeling of protein sequence and biophysical properties (such as structural, functional, and spatial information, amino acid conservation, physicochemical variation, residue mobility, and thermodynamic stability) performed at Invitae indicates that this missense variant is not expected to disrupt SLC12A6 protein function. This variant has not been reported in the literature in individuals affected with SLC12A6-related conditions. This variant is present in population databases (rs770783522, ExAC 0.002%). This sequence change replaces glutamic acid with glycine at codon 5 of the SLC12A6 protein (p.Glu5Gly). The glutamic acid residue is weakly conserved and there is a moderate physicochemical difference between glutamic acid and glycine.